The following is an entry in ClinVar:

ClinVar aggregate classification (germline): Benign/Likely benign. Review status: criteria provided, multiple submitters, no conflicts (2 of 4 stars). 3 submissions from 3 submitters: Benign (2); Likely benign (1). Last evaluated 2026-01-19.

Conditions:
Christianson syndrome (MRXSCH). Also called: SLC9A6-Related Syndromic Mental Retardation; INTELLECTUAL DEVELOPMENTAL DISORDER, X-LINKED, SYNDROMIC, CHRISTIANSON TYPE; X-linked mental retardation, syndromic, Christianson type. Identifiers: Orphanet 85278, MedGen C2678194, MONDO:0010278, OMIM 300243.

Allele frequency attached by ClinVar (database versions not stated): TOPMed 0.00008; gnomAD 0.00011 and 0.00012; gnomAD exomes 0.00018 and 0.00019; ExAC 0.00024; ESP Exome Variant Server 0.00028.
gnomAD v4.1: 211 of 1,201,564 alleles (0.018%); highest among the groups gnomAD compares: Middle Eastern, 0.023%; no homozygotes.

Submissions (3):

Labcorp Genetics (formerly Invitae), Labcorp
Classification: Benign for Christianson syndrome. Last evaluated: 2026-01-19. Review status: criteria provided, single submitter. Criteria: Invitae Variant Classification Sherloc (09022015). Collection method: clinical testing. Allele origin: germline.

Blueprint Genetics
Classification: Likely benign. Last evaluated: 2024-09-13. Review status: criteria provided, single submitter. Criteria: ACMG Guidelines, 2015. Collection method: clinical testing. Allele origin: germline.

GeneDx
Classification: Benign. Last evaluated: 2013-02-22. Review status: criteria provided, single submitter. Criteria: GeneDx Variant Classification (06012015). Collection method: clinical testing. Allele origin: germline. Affected: yes.
Comment: This variant is considered likely benign or benign based on one or more of the following criteria: it is a conservative change, it occurs at a poorly conserved position in the protein, it is predicted to be benign by multiple in silico algorithms, and/or has population frequency not consistent with disease.

NM_001379110.1(SLC9A6):c.1581+11G>A

Gene: SLC9A6 (solute carrier family 9 member A6; plus strand). Cytogenetic location: Xq26.3.
Variant type: single nucleotide variant.
Coding change: c.1581+11G>A on transcript NM_001379110.1 (MANE Select); 11 bases into the intron after coding-DNA position 1581, G replaced by A.
Molecular consequence: intron variant.
Genome position (GRCh38, 1-based): chrX:136,030,173, G>A. VCF-style: chrX-136030173-G-A. GRCh37 (hg19) VCF-style: chrX-135112332-G-A.
Other names: c.1647+11G>A (NM_001042537.2); c.1551+11G>A (NM_006359.3); c.1491+11G>A (NM_001177651.2); c.1395+11G>A (NM_001330652.2).
Identifiers: ClinVar variation 139205 (VCV000139205.10), dbSNP rs375145994, ClinGen allele CA293618.
Genomic context (GRCh38, chrX:136,030,173, plus strand): 5'-CTTTGTCTTTCTCCTTTAGGGTTGGTGTTGATTCAGACCAAGAACACTTGGTAAATATGC[G>A]TTTTTGTTGTTCCTGGCATTTCTGTCAAATGTGCAGTCATTTGGAAAGAAAACAATCTAC-3'